The following is an entry in ClinVar:

NM_006031.6(PCNT):c.8711C>T (p.Ala2904Val)

Gene: PCNT (pericentrin; plus strand). Cytogenetic location: 21q22.3.
Variant type: single nucleotide variant.
Coding change: c.8711C>T on transcript NM_006031.6 (MANE Select); coding-DNA position 8711, C replaced by T.
Protein change: p.Ala2904Val; replaces alanine 2904 with valine.
Molecular consequence: missense variant. On other transcripts: intron variant (1).
Genome position (GRCh38, 1-based): chr21:46,432,175, C>T. VCF-style: chr21-46432175-C-T. GRCh37 (hg19) VCF-style: chr21-47852089-C-T.
Other names: c.8160+197C>T (NM_001315529.2); short protein forms A2904V.
Identifiers: ClinVar variation 1409430 (VCV001409430.3), dbSNP rs2087795393, ClinGen allele CA410574102.

ClinVar aggregate classification (germline): Uncertain significance (1 of 4 stars; one submission).

Allele frequency attached by ClinVar (database versions not stated): TOPMed below 0.00001.
gnomAD v4.1: 16 of 1,612,908 alleles (0.00099%); highest among the groups gnomAD compares: Middle Eastern, 0.018%; no homozygotes.

Submission:

Labcorp Genetics (formerly Invitae), Labcorp
Classification: Uncertain significance. Last evaluated: 2022-08-09. Review status: criteria provided, single submitter. Criteria: Invitae Variant Classification Sherloc (09022015). Collection method: clinical testing. Allele origin: germline.
Comment: This sequence change replaces alanine, which is neutral and non-polar, with valine, which is neutral and non-polar, at codon 2904 of the PCNT protein (p.Ala2904Val). This variant is not present in population databases (gnomAD no frequency). This variant has not been reported in the literature in individuals affected with PCNT-related conditions. ClinVar contains an entry for this variant (Variation ID: 1409430). Algorithms developed to predict the effect of missense changes on protein structure and function output the following: SIFT: "Deleterious"; PolyPhen-2: "Benign"; Align-GVGD: "Class C0". The valine amino acid residue is found in multiple mammalian species, which suggests that this missense change does not adversely affect protein function. In summary, the available evidence is currently insufficient to determine the role of this variant in disease. Therefore, it has been classified as a Variant of Uncertain Significance.